The following is an entry in ClinVar:

ClinVar aggregate classification (germline): Likely benign. Review status: criteria provided, single submitter (1 of 4 stars). 2 submissions from 2 submitters: Likely benign (1). 1 of the submissions does not count toward it. Last evaluated 2025-03-31.

Conditions:
PPARG-related disorder. Also called: PPARG-related disorders; PPARG-related condition.

Allele frequency attached by ClinVar (database versions not stated): ExAC 0.00004; gnomAD exomes 0.00007; ESP Exome Variant Server 0.00008; gnomAD 0.00008; TOPMed 0.00009.
gnomAD v4.1: 114 of 1,608,022 alleles (0.0071%); highest among the groups gnomAD compares: Non-Finnish European, 0.0089%; no homozygotes.

Submissions (2):

Labcorp Genetics (formerly Invitae), Labcorp
Classification: Likely benign. Last evaluated: 2025-03-31. Review status: criteria provided, single submitter. Criteria: Invitae Variant Classification Sherloc (09022015). Collection method: clinical testing. Allele origin: germline.

PreventionGenetics, part of Exact Sciences
Classification: Likely benign for PPARG-related condition. Last evaluated: 2019-04-04. Review status: no assertion criteria provided. Collection method: clinical testing. Allele origin: germline. Not counted in ClinVar's aggregate classification.
Comment: This variant is classified as likely benign based on ACMG/AMP sequence variant interpretation guidelines (Richards et al. 2015 PMID: 25741868, with internal and published modifications).

NM_138711.6(PPARG):c.-8-14A>G

Gene: PPARG (peroxisome proliferator activated receptor gamma; plus strand). Cytogenetic location: 3p25.2.
Variant type: single nucleotide variant.
Coding change: c.-8-14A>G on transcript NM_138711.6 (MANE Select); 14 bases into the intron before 8 bases upstream of the start codon, A replaced by G.
Molecular consequence: intron variant.
Genome position (GRCh38, 1-based): chr3:12,379,690, A>G. VCF-style: chr3-12379690-A-G. GRCh37 (hg19) VCF-style: chr3-12421189-A-G.
Other names: c.-8-14A>G (NM_001354666.3, NM_138712.5, NM_005037.7 and 6 more transcripts); c.-435-14A>G (NM_001354669.2); c.-2-14A>G (NM_001374266.1, NM_001354670.2); c.83-14A>G (NM_015869.5, NM_001374265.1, NM_001354668.2).
Identifiers: ClinVar variation 3048376 (VCV003048376.4), dbSNP rs371713160, ClinGen allele CA2258074.